The following is an entry in ClinVar:

NM_012330.4(KAT6B):c.5567C>G (p.Thr1856Arg)

Gene: KAT6B (lysine acetyltransferase 6B; plus strand). Cytogenetic location: 10q22.2.
Variant type: single nucleotide variant.
Coding change: c.5567C>G on transcript NM_012330.4 (MANE Select); coding-DNA position 5567, C replaced by G.
Protein change: p.Thr1856Arg; replaces threonine 1856 with arginine.
Molecular consequence: missense variant.
Genome position (GRCh38, 1-based): chr10:75,030,391, C>G. VCF-style: chr10-75030391-C-G. GRCh37 (hg19) VCF-style: chr10-76790149-C-G.
Other names: c.5018C>G, p.Thr1673Arg (NM_001256468.2, NM_001370138.1); c.4691C>G, p.Thr1564Arg (NM_001256469.2, NM_001370139.1, NM_001370140.1 and 2 more transcripts); c.4529C>G, p.Thr1510Arg (NM_001370132.1); c.3878C>G, p.Thr1293Arg (NM_001370133.1); c.3482C>G, p.Thr1161Arg (NM_001370134.1); c.3224C>G, p.Thr1075Arg (NM_001370135.1); c.5567C>G, p.Thr1856Arg (NM_001370136.1, NM_001370137.1); c.4502C>G, p.Thr1501Arg (NM_001370143.1, NM_001370144.1); short protein forms T1075R, T1161R, T1293R, T1501R, T1510R, T1564R, T1673R, T1856R.
Identifiers: ClinVar variation 1314405 (VCV001314405.2), dbSNP rs1296238510, ClinGen allele CA377301713.

ClinVar aggregate classification (germline): Uncertain significance (1 of 4 stars; one submission).

Submission:

GeneDx
Classification: Uncertain significance. Last evaluated: 2021-04-07. Review status: criteria provided, single submitter. Criteria: GeneDx Variant Classification Process June 2021. Collection method: clinical testing. Allele origin: germline. Affected: yes.
Comment: Not observed in large population cohorts (Lek et al., 2016); In silico analysis supports that this missense variant has a deleterious effect on protein structure/function; Has not been previously published as pathogenic or benign to our knowledge